The following is an entry in ClinVar:

ClinVar aggregate classification (germline): Benign/Likely benign. Review status: criteria provided, multiple submitters, no conflicts (2 of 4 stars). 3 submissions from 3 submitters: Benign (1); Likely benign (2). Last evaluated 2025-10-16.

Conditions:
Hereditary cancer-predisposing syndrome. Also called: Hereditary Cancer Syndrome; Hereditary neoplastic syndrome; Tumor predisposition; Neoplastic Syndromes, Hereditary. Identifiers: Orphanet 140162, MedGen C0027672, MeSH D009386, MONDO:0015356.
Familial adenomatous polyposis 1 (FAP1). Also called: FAMILIAL ADENOMATOUS POLYPOSIS 1, ATTENUATED; POLYPOSIS, ADENOMATOUS INTESTINAL. Identifiers: MedGen C2713442, MONDO:0021056, OMIM 175100. Disease mechanism: loss of function.

Allele frequency attached by ClinVar (database versions not stated): gnomAD exomes 0.00001; ExAC 0.00002.
gnomAD v4.1: 3 of 1,614,230 alleles (0.00019%); highest among the groups gnomAD compares: South Asian, 0.0033%; no homozygotes.

Submissions (3):

Labcorp Genetics (formerly Invitae), Labcorp
Classification: Likely benign for Familial adenomatous polyposis 1. Last evaluated: 2025-10-16. Review status: criteria provided, single submitter. Criteria: Invitae Variant Classification Sherloc (09022015). Collection method: clinical testing. Allele origin: germline.

Myriad Genetics, Inc.
Classification: Benign for Familial adenomatous polyposis 1. Last evaluated: 2024-03-14. Review status: criteria provided, single submitter. Criteria: Myriad Autosomal Dominant, Autosomal Recessive and X-Linked Classification Criteria (2023). Collection method: clinical testing. Allele origin: unknown.
Comment: This variant is considered benign. This variant is a silent/synonymous amino acid change and it is not expected to impact splicing.

Ambry Genetics
Classification: Likely benign for Hereditary cancer-predisposing syndrome. Last evaluated: 2022-01-12. Review status: criteria provided, single submitter. Criteria: Ambry Variant Classification Scheme 2023. Collection method: clinical testing. Allele origin: germline.

NM_000038.6(APC):c.2487A>G (p.Thr829=)

Gene: APC (APC regulator of Wnt signaling pathway; plus strand). Cytogenetic location: 5q22.2.
Variant type: single nucleotide variant.
Coding change: c.2487A>G on transcript NM_000038.6 (MANE Select); coding-DNA position 2487, A replaced by G.
Protein change: p.Thr829=; no amino-acid change (threonine 829 retained).
Molecular consequence: synonymous variant. On other transcripts: non-coding transcript variant (2).
Genome position (GRCh38, 1-based): chr5:112,838,081, A>G. VCF-style: chr5-112838081-A-G. GRCh37 (hg19) VCF-style: chr5-112173778-A-G.
Other names: c.2487A>G, p.Thr829= (NM_001127510.3, NM_001354895.2, NM_001407450.1); c.2433A>G, p.Thr811= (NM_001127511.3); c.2541A>G, p.Thr847= (NM_001354896.2, NM_001407447.1, NM_001407448.1 and 1 more transcripts); c.2517A>G, p.Thr839= (NM_001354897.2); c.2412A>G, p.Thr804= (NM_001354898.2); c.2403A>G, p.Thr801= (NM_001354899.2); c.2364A>G, p.Thr788= (NM_001354900.2); c.2310A>G, p.Thr770= (NM_001354901.2, NM_001407453.1); and 11 more.
Identifiers: ClinVar variation 1791997 (VCV001791997.5), dbSNP rs774460348, ClinGen allele CA032294.